The following is an entry in ClinVar:

ClinVar aggregate classification (germline): Uncertain significance (1 of 4 stars; one submission).

gnomAD v4.1: 1 of 1,614,082 alleles (0.000062%); highest among the groups gnomAD compares: Non-Finnish European, 0.000085%; no homozygotes.

Submission:

GeneDx
Classification: Uncertain significance. Last evaluated: 2025-06-20. Review status: criteria provided, single submitter. Criteria: GeneDx Variant Classification Process June 2021. Collection method: clinical testing. Allele origin: germline. Affected: yes.
Comment: Not observed at significant frequency in large population cohorts (gnomAD); In silico analysis supports that this missense variant has a deleterious effect on protein structure/function; Has not been previously published as pathogenic or benign to our knowledge

NM_032217.5(ANKRD17):c.7042G>A (p.Gly2348Arg)

Gene: ANKRD17 (ankyrin repeat domain 17; minus strand). Cytogenetic location: 4q13.3.
Variant type: single nucleotide variant.
Coding change: c.7042G>A on transcript NM_032217.5 (MANE Select); coding-DNA position 7042, G replaced by A.
Protein change: p.Gly2348Arg; replaces glycine 2348 with arginine.
Molecular consequence: missense variant.
Genome position (GRCh38, 1-based): chr4:73,085,366, C>T on the plus strand (G>A on the coding strand, the complement: ANKRD17 is on the minus strand). VCF-style: chr4-73085366-C-T. GRCh37 (hg19) VCF-style: chr4-73951083-C-T.
Other names: c.6703G>A, p.Gly2235Arg (NM_001286771.3); c.7039G>A, p.Gly2347Arg (NM_015574.2); c.6289G>A, p.Gly2097Arg (NM_198889.3); short protein forms G2097R, G2235R, G2347R, G2348R.
Identifiers: ClinVar variation 4540074 (VCV004540074.1).
Genomic context (GRCh38, chr4:73,085,366, plus strand): 5'-TAAAGTTAGCAGCTGCGGGTGCTCCTCCAAGGGGTGCCCCAGGTCCGTACATCTGACCTC[C>T]TGAAATGTTTGAAGCAAAGTTTCCCAAATGTGTTGAAGAAGGTGTTACAGAACCATATGG-3'
Protein context (NP_115593.3, residues 2338-2358): HLGNFASNIS[Gly2348Arg]GQMYGPGAPL